The following is an entry in ClinVar:

NM_000059.4(BRCA2):c.5585T>G (p.Val1862Gly)

Gene: BRCA2 (BRCA2 DNA repair associated; plus strand). Cytogenetic location: 13q13.1.
Variant type: single nucleotide variant.
Coding change: c.5585T>G on transcript NM_000059.4 (MANE Select); coding-DNA position 5585, T replaced by G.
Protein change: p.Val1862Gly; replaces valine 1862 with glycine.
Molecular consequence: missense variant.
Genome position (GRCh38, 1-based): chr13:32,339,940, T>G. VCF-style: chr13-32339940-T-G. GRCh37 (hg19) VCF-style: chr13-32914077-T-G.
Other names: short protein forms V1862G.
Identifiers: ClinVar variation 801113 (VCV000801113.13), dbSNP rs1593905868, ClinGen allele CA387786029.

ClinVar aggregate classification (germline): Conflicting classifications of pathogenicity. Review status: criteria provided, conflicting classifications (1 of 4 stars). 4 submissions from 4 submitters: Uncertain significance (3); Likely benign (1). Last evaluated 2023-03-23.

Conditions:
Hereditary breast ovarian cancer syndrome. Also called: BRCA1- and BRCA2-Associated Hereditary Breast and Ovarian Cancer; Hereditary breast and ovarian cancer syndrome; Hereditary breast and/or ovarian cancer syndrome; Hereditary breast and ovarian cancer; Hereditary breast and ovarian cancer syndrome (HBOC); Breast and ovarian cancer. Identifiers: Orphanet 145, MedGen C0677776, MeSH D061325, MONDO:0003582. Disease mechanism: loss of function.
Hereditary cancer-predisposing syndrome. Also called: Tumor predisposition; Neoplastic Syndromes, Hereditary; Hereditary Cancer Syndrome; Hereditary neoplastic syndrome. Identifiers: Orphanet 140162, MedGen C0027672, MeSH D009386, MONDO:0015356.

Submissions (4):

University of Washington Department of Laboratory Medicine, University of Washington
Classification: Likely benign for Hereditary cancer-predisposing syndrome. Last evaluated: 2023-03-23. Review status: criteria provided, single submitter. Criteria: Dines et al. (Genet Med. 2020). Collection method: curation. Allele origin: germline.
Comment: Missense variant in a coldspot region where missense variants are very unlikely to be pathogenic (PMID:31911673).

BRCA2 exon 11 coldspot. Reclassification based on statistical prior probability.

Labcorp Genetics (formerly Invitae), Labcorp
Classification: Uncertain significance for Hereditary breast ovarian cancer syndrome. Last evaluated: 2021-11-14. Review status: criteria provided, single submitter. Criteria: Invitae Variant Classification Sherloc (09022015). Collection method: clinical testing. Allele origin: germline.
Comment: In summary, the available evidence is currently insufficient to determine the role of this variant in disease. Therefore, it has been classified as a Variant of Uncertain Significance. This sequence change replaces valine, which is neutral and non-polar, with glycine, which is neutral and non-polar, at codon 1862 of the BRCA2 protein (p.Val1862Gly). This variant is not present in population databases (gnomAD no frequency). This variant has not been reported in the literature in individuals affected with BRCA2-related conditions. ClinVar contains an entry for this variant (Variation ID: 801113). Advanced modeling of protein sequence and biophysical properties (such as structural, functional, and spatial information, amino acid conservation, physicochemical variation, residue mobility, and thermodynamic stability) performed at Invitae indicates that this missense variant is not expected to disrupt BRCA2 protein function.

Ambry Genetics
Classification: Uncertain significance for Hereditary cancer-predisposing syndrome. Last evaluated: 2019-08-22. Review status: criteria provided, single submitter. Criteria: Ambry Variant Classification Scheme 2023. Collection method: clinical testing. Allele origin: germline.
Comment: The p.V1862G variant (also known as c.5585T>G), located in coding exon 10 of the BRCA2 gene, results from a T to G substitution at nucleotide position 5585. The valine at codon 1862 is replaced by glycine, an amino acid with dissimilar properties. This amino acid position is not well conserved in available vertebrate species. In addition, the in silico prediction for this alteration is inconclusive. Since supporting evidence is limited at this time, the clinical significance of this alteration remains unclear.

Quest Diagnostics Nichols Institute San Juan Capistrano
Classification: Uncertain significance. Last evaluated: 2019-01-17. Review status: criteria provided, single submitter. Criteria: Quest Diagnostics criteria. Collection method: clinical testing. Allele origin: germline.